The following is an entry in ClinVar:

NM_001006658.3(CR2):c.438T>G (p.Cys146Trp)

Gene: CR2 (complement C3d receptor 2; plus strand). Cytogenetic location: 1q32.2.
Variant type: single nucleotide variant.
Coding change: c.438T>G on transcript NM_001006658.3 (MANE Select); coding-DNA position 438, T replaced by G.
Protein change: p.Cys146Trp; replaces cysteine 146 with tryptophan.
Molecular consequence: missense variant.
Genome position (GRCh38, 1-based): chr1:207,466,905, T>G. VCF-style: chr1-207466905-T-G. GRCh37 (hg19) VCF-style: chr1-207640250-T-G.
Other names: c.438T>G, p.Cys146Trp (NM_001877.5); short protein forms C146W.
Identifiers: ClinVar variation 2085824 (VCV002085824.4), dbSNP rs1303595004, ClinGen allele CA344524032.

ClinVar aggregate classification (germline): Uncertain significance (1 of 4 stars; one submission).

Conditions:
Immunodeficiency, common variable, 7. Identifiers: Orphanet 1572, Orphanet 696894, MedGen C3542922, MONDO:0013862, OMIM 614699.

gnomAD v4.1: 2 of 1,587,252 alleles (0.00013%); highest among the groups gnomAD compares: Non-Finnish European, 0.00017%; no homozygotes.

Submission:

Labcorp Genetics (formerly Invitae), Labcorp
Classification: Uncertain significance for Immunodeficiency, common variable, 7. Last evaluated: 2022-06-30. Review status: criteria provided, single submitter. Criteria: Invitae Variant Classification Sherloc (09022015). Collection method: clinical testing. Allele origin: germline.
Comment: Algorithms developed to predict the effect of missense changes on protein structure and function are either unavailable or do not agree on the potential impact of this missense change (SIFT: "Deleterious"; PolyPhen-2: "Probably Damaging"; Align-GVGD: "Class C15"). In summary, the available evidence is currently insufficient to determine the role of this variant in disease. Therefore, it has been classified as a Variant of Uncertain Significance. Algorithms developed to predict the effect of sequence changes on RNA splicing suggest that this variant may create or strengthen a splice site. This variant has not been reported in the literature in individuals affected with CR2-related conditions. This variant is not present in population databases (gnomAD no frequency). This sequence change replaces cysteine, which is neutral and slightly polar, with tryptophan, which is neutral and slightly polar, at codon 146 of the CR2 protein (p.Cys146Trp).